The following is an entry in ClinVar:

ClinVar aggregate classification (germline): Uncertain significance (1 of 4 stars; one submission).

Submission:

Quest Diagnostics Nichols Institute San Juan Capistrano
Classification: Uncertain significance. Last evaluated: 2025-11-03. Review status: criteria provided, single submitter. Criteria: Quest Diagnostics criteria. Collection method: clinical testing. Allele origin: unknown.
Comment: The CDH1 c.2138T>G (p.Ile713Ser) variant has not been reported in individuals with CDH1-related conditions in the published literature. This variant also has not been reported in large, multi-ethnic general populations (Genome Aggregation Database). Analysis of this variant using bioinformatics tools for the prediction of the effect of amino acid changes on protein structure and function yielded conflicting predictions that this variant is benign or damaging. Based on the available information, we are unable to determine the clinical significance of this variant.

NM_004360.5(CDH1):c.2138T>G (p.Ile713Ser)

Gene: CDH1 (cadherin 1; plus strand). Cytogenetic location: 16q22.1.
Variant type: single nucleotide variant.
Coding change: c.2138T>G on transcript NM_004360.5 (MANE Select); coding-DNA position 2138, T replaced by G.
Protein change: p.Ile713Ser; replaces isoleucine 713 with serine.
Molecular consequence: missense variant.
Genome position (GRCh38, 1-based): chr16:68,823,600, T>G. VCF-style: chr16-68823600-T-G. GRCh37 (hg19) VCF-style: chr16-68857503-T-G.
Other names: c.1955T>G, p.Ile652Ser (NM_001317184.2); c.590T>G, p.Ile197Ser (NM_001317185.2); c.173T>G, p.Ile58Ser (NM_001317186.2); short protein forms I197S, I58S, I652S, I713S.
Identifiers: ClinVar variation 4533074 (VCV004533074.1).